The following is an entry in ClinVar:

NM_000465.4(BARD1):c.1187C>T (p.Pro396Leu)

Gene: BARD1 (BRCA1 associated RING domain 1; minus strand). Cytogenetic location: 2q35.
Variant type: single nucleotide variant.
Coding change: c.1187C>T on transcript NM_000465.4 (MANE Select); coding-DNA position 1187, C replaced by T.
Protein change: p.Pro396Leu; replaces proline 396 with leucine.
Molecular consequence: missense variant. On other transcripts: non-coding transcript variant (2), intron variant (3).
Genome position (GRCh38, 1-based): chr2:214,780,687, G>A on the plus strand (C>T on the coding strand, the complement: BARD1 is on the minus strand). VCF-style: chr2-214780687-G-A. GRCh37 (hg19) VCF-style: chr2-215645411-G-A.
Other names: c.1130C>T, p.Pro377Leu (NM_001282543.2); c.159-28132C>T (NM_001282548.2); c.215+16374C>T (NM_001282545.2); c.364+11610C>T (NM_001282549.2); short protein forms P377L, P396L.
Identifiers: ClinVar variation 3231760 (VCV003231760.1), dbSNP rs2469502486, ClinGen allele CA350453816.

ClinVar aggregate classification (germline): Uncertain significance (1 of 4 stars; one submission).

Conditions:
Hereditary cancer-predisposing syndrome. Also called: Neoplastic Syndromes, Hereditary; Tumor predisposition; Hereditary neoplastic syndrome; Hereditary Cancer Syndrome. Identifiers: Orphanet 140162, MedGen C0027672, MeSH D009386, MONDO:0015356.

Allele frequency attached by ClinVar (database versions not stated): gnomAD exomes below 0.00001.
gnomAD v4.1: 1 of 1,614,112 alleles (0.000062%); highest among the groups gnomAD compares: South Asian, 0.0011%; no homozygotes.

Submission:

Ambry Genetics
Classification: Uncertain significance for Hereditary cancer-predisposing syndrome. Last evaluated: 2024-01-05. Review status: criteria provided, single submitter. Criteria: Ambry Variant Classification Scheme 2023. Collection method: clinical testing. Allele origin: germline.
Comment: The p.P396L variant (also known as c.1187C>T), located in coding exon 4 of the BARD1 gene, results from a C to T substitution at nucleotide position 1187. The proline at codon 396 is replaced by leucine, an amino acid with similar properties. This amino acid position is well conserved in available vertebrate species. In addition, this alteration is predicted to be tolerated by in silico analysis. Since supporting evidence is limited at this time, the clinical significance of this alteration remains unclear.